The following is an entry in ClinVar:

ClinVar aggregate classification (germline): Uncertain significance (1 of 4 stars; one submission).

Allele frequency attached by ClinVar (database versions not stated): gnomAD exomes below 0.00001; gnomAD 0.00002 and 0.00003; TOPMed 0.00002.

Submission:

Labcorp Genetics (formerly Invitae), Labcorp
Classification: Uncertain significance. Last evaluated: 2022-02-24. Review status: criteria provided, single submitter. Criteria: Invitae Variant Classification Sherloc (09022015). Collection method: clinical testing. Allele origin: germline.
Comment: This sequence change replaces serine, which is neutral and polar, with threonine, which is neutral and polar, at codon 1081 of the PTPN23 protein (p.Ser1081Thr). In summary, the available evidence is currently insufficient to determine the role of this variant in disease. Therefore, it has been classified as a Variant of Uncertain Significance. Algorithms developed to predict the effect of missense changes on protein structure and function output the following: SIFT: "Tolerated"; PolyPhen-2: "Benign"; Align-GVGD: "Class C0". The threonine amino acid residue is found in multiple mammalian species, which suggests that this missense change does not adversely affect protein function. This variant has not been reported in the literature in individuals affected with PTPN23-related conditions. This variant is present in population databases (no rsID available, gnomAD 0.02%).

NM_015466.4(PTPN23):c.3242G>C (p.Ser1081Thr)

Gene: PTPN23 (protein tyrosine phosphatase non-receptor type 23; plus strand). Cytogenetic location: 3p21.31.
Variant type: single nucleotide variant.
Coding change: c.3242G>C on transcript NM_015466.4 (MANE Select); coding-DNA position 3242, G replaced by C.
Protein change: p.Ser1081Thr; replaces serine 1081 with threonine.
Molecular consequence: missense variant.
Genome position (GRCh38, 1-based): chr3:47,411,040, G>C. VCF-style: chr3-47411040-G-C. GRCh37 (hg19) VCF-style: chr3-47452530-G-C.
Other names: c.2864G>C, p.Ser955Thr (NM_001304482.2); short protein forms S1081T, S955T.
Identifiers: ClinVar variation 1450431 (VCV001450431.7), dbSNP rs1322800169, ClinGen allele CA352561415.
Genomic context (GRCh38, chr3:47,411,040, plus strand): 5'-GCCCCCAGGCAGCCCCTCTTACCATTCGAGGGCCCTCGTCTGCTGGCCAGTCCACCCCTA[G>C]TCCCCACCTGGTGCCTTCACCTGCCCCATCTCCAGGGCCTGGTCCGGTACCCCCTCGCCC-3'
Protein context (NP_056281.1, residues 1071-1091): GPSSAGQSTP[Ser1081Thr]PHLVPSPAPS